The following is an entry in ClinVar:

NM_004370.6(COL12A1):c.1029G>A (p.Met343Ile)

Gene: COL12A1 (collagen type XII alpha 1 chain; minus strand). Cytogenetic location: 6q13.
Variant type: single nucleotide variant.
Coding change: c.1029G>A on transcript NM_004370.6 (MANE Select); coding-DNA position 1029, G replaced by A.
Protein change: p.Met343Ile; replaces methionine 343 with isoleucine.
Molecular consequence: missense variant. On other transcripts: intron variant (1).
Genome position (GRCh38, 1-based): chr6:75,184,113, C>T on the plus strand (G>A on the coding strand, the complement: COL12A1 is on the minus strand). VCF-style: chr6-75184113-C-T. GRCh37 (hg19) VCF-style: chr6-75893829-C-T.
Other names: c.73+18607G>A (NM_080645.3); short protein forms M343I.
Identifiers: ClinVar variation 855252 (VCV000855252.10), dbSNP rs780955667, ClinGen allele CA3894278.

ClinVar aggregate classification (germline): Uncertain significance (1 of 4 stars; one submission).

Conditions:
Ullrich congenital muscular dystrophy 2 (UCMD2). Identifiers: Orphanet 75840, MedGen C4225314, MONDO:0014654, OMIM 616470.
Bethlem myopathy 2 (BTHLM2). Identifiers: Orphanet 536516, Orphanet 610, MedGen C4225313, MONDO:0034022, OMIM 616471.

Allele frequency attached by ClinVar (database versions not stated): TOPMed below 0.00001; ExAC 0.00001; gnomAD 0.00001; gnomAD exomes 0.00001.
gnomAD v4.1: 10 of 1,613,746 alleles (0.00062%); highest among the groups gnomAD compares: Non-Finnish European, 0.00085%; no homozygotes.

Submission:

Labcorp Genetics (formerly Invitae), Labcorp
Classification: Uncertain significance for Bethlem myopathy 2; Ullrich congenital muscular dystrophy 2. Last evaluated: 2023-09-08. Review status: criteria provided, single submitter. Criteria: Invitae Variant Classification Sherloc (09022015). Collection method: clinical testing. Allele origin: germline.
Comment: ClinVar contains an entry for this variant (Variation ID: 855252). In summary, the available evidence is currently insufficient to determine the role of this variant in disease. Therefore, it has been classified as a Variant of Uncertain Significance. Advanced modeling of protein sequence and biophysical properties (such as structural, functional, and spatial information, amino acid conservation, physicochemical variation, residue mobility, and thermodynamic stability) performed at Invitae indicates that this missense variant is not expected to disrupt COL12A1 protein function. This variant has not been reported in the literature in individuals affected with COL12A1-related conditions. This variant is present in population databases (rs780955667, gnomAD 0.002%). This sequence change replaces methionine, which is neutral and non-polar, with isoleucine, which is neutral and non-polar, at codon 343 of the COL12A1 protein (p.Met343Ile).